The following is an entry in ClinVar:

NM_001384910.1(GUCA1A):c.-83G>A

Genes: GUCA1ANB-GUCA1A (GUCA1ANB-GUCA1A readthrough; plus strand), GUCA1A (guanylate cyclase activator 1A; plus strand). Cytogenetic location: 6p21.1.
Variant type: single nucleotide variant.
Coding change: c.-83G>A on transcript NM_001384910.1 (MANE Select); 83 bases upstream of the start codon, G replaced by A.
Molecular consequence: 5 prime UTR variant.
Genome position (GRCh38, 1-based): chr6:42,173,531, G>A. VCF-style: chr6-42173531-G-A. GRCh37 (hg19) VCF-style: chr6-42141269-G-A.
Other names: c.-83G>A (NM_000409.5, NM_001319061.2, NM_001319062.2).
Identifiers: ClinVar variation 356690 (VCV000356690.5), dbSNP rs9471793, ClinGen allele CA10626676.

ClinVar aggregate classification (germline): Benign (1 of 4 stars; one submission).

Conditions:
Cone dystrophy 3 (COD3). Also called: RETINAL CONE DYSTROPHY. Identifiers: Orphanet 1872, MedGen C1865869, MONDO:0011193, OMIM 602093.

Allele frequency attached by ClinVar (database versions not stated): 1000 Genomes Project 0.14277; 1000 Genomes Project 30x 0.14881; gnomAD 0.16722 and 0.17353; TOPMed 0.17279.
gnomAD v4.1: 138,121 of 1,122,758 alleles (12%); highest among the groups gnomAD compares: African/African-American, 32%; 10,390 homozygotes.

Submission:

Illumina Laboratory Services, Illumina
Classification: Benign for Cone dystrophy 3. Last evaluated: 2018-01-13. Review status: criteria provided, single submitter. Criteria: ICSL Variant Classification Criteria 13 December 2019. Collection method: clinical testing. Allele origin: germline.
Comment: This variant was observed in the ICSL laboratory as part of a predisposition screen in an ostensibly healthy population. It had not been previously curated by ICSL or reported in the Human Gene Mutation Database (HGMD: prior to June 1st, 2018), and was therefore a candidate for classification through an automated scoring system. Utilizing variant allele frequency, disease prevalence and penetrance estimates, and inheritance mode, an automated score was calculated to assess if this variant is too frequent to cause the disease. Based on the score and internal cut-off values, a variant classified as benign is not then subjected to further curation. The score for this variant resulted in a classification of benign for this disease.